The following is an entry in ClinVar:

NM_005006.7(NDUFS1):c.1553+250C>T

Gene: NDUFS1 (NADH:ubiquinone oxidoreductase core subunit S1; minus strand). Cytogenetic location: 2q33.3.
Variant type: single nucleotide variant.
Coding change: c.1553+250C>T on transcript NM_005006.7 (MANE Select); 250 bases into the intron after coding-DNA position 1553, C replaced by T.
Molecular consequence: intron variant.
Genome position (GRCh38, 1-based): chr2:206,132,695, G>A on the plus strand (C>T on the coding strand, the complement: NDUFS1 is on the minus strand). VCF-style: chr2-206132695-G-A. GRCh37 (hg19) VCF-style: chr2-206997419-G-A.
Other names: c.1220+250C>T (NM_001199982.2); c.1382+250C>T (NM_001199983.2); c.1445+250C>T (NM_001199981.2); c.1595+250C>T (NM_001199984.2).
Identifiers: ClinVar variation 683045 (VCV000683045.1), dbSNP rs4147721, ClinGen allele CA15188536.
Genomic context (GRCh38, chr2:206,132,695, plus strand): 5'-ATATTAGCTTACATTTTTATCATTTAATTAAAGAACTTGTTGCAATTTTTGAACCAAGGT[G>A]TAACTAATATAACAATTTTTATAGTACTTCACTTTTTTTCTCAACACTCACTGTTATTTC-3'

ClinVar aggregate classification (germline): Benign (1 of 4 stars; one submission).

Allele frequency attached by ClinVar (database versions not stated): 1000 Genomes Project 0.51857; 1000 Genomes Project 30x 0.53310; gnomAD 0.55156 and 0.56195; TOPMed 0.55881.
gnomAD v4.1: 83,735 of 152,036 alleles (55%); highest among the groups gnomAD compares: African/African-American, 75%; 24,448 homozygotes.

Submission:

GeneDx
Classification: Benign. Last evaluated: 2018-06-14. Review status: criteria provided, single submitter. Criteria: GeneDx Variant Classification (06012015). Collection method: clinical testing. Allele origin: germline. Affected: yes.
Comment: This variant is considered likely benign or benign based on one or more of the following criteria: it is a conservative change, it occurs at a poorly conserved position in the protein, it is predicted to be benign by multiple in silico algorithms, and/or has population frequency not consistent with disease.